The following is an entry in ClinVar:

NM_014363.6(SACS):c.12613A>G (p.Ile4205Val)

Gene: SACS (sacsin molecular chaperone; minus strand). Cytogenetic location: 13q12.12.
Variant type: single nucleotide variant.
Coding change: c.12613A>G on transcript NM_014363.6 (MANE Select); coding-DNA position 12613, A replaced by G.
Protein change: p.Ile4205Val; replaces isoleucine 4205 with valine.
Molecular consequence: missense variant.
Genome position (GRCh38, 1-based): chr13:23,331,263, T>C on the plus strand (A>G on the coding strand, the complement: SACS is on the minus strand). VCF-style: chr13-23331263-T-C. GRCh37 (hg19) VCF-style: chr13-23905402-T-C.
Other names: c.12172A>G, p.Ile4058Val (NM_001278055.2); c.12613A>G (NM_014363.4); short protein forms I4058V, I4205V.
Identifiers: ClinVar variation 2139892 (VCV002139892.6), dbSNP rs756979757, ClinGen allele CA6910123.

ClinVar aggregate classification (germline): Conflicting classifications of pathogenicity. Review status: criteria provided, conflicting classifications (1 of 4 stars). 2 submissions from 2 submitters: Uncertain significance (1); Benign (1). Last evaluated 2025-06-05.

Conditions:
Spastic paraplegia. Identifiers: MedGen C0037772, HP:0001258.

Allele frequency attached by ClinVar (database versions not stated): TOPMed below 0.00001; gnomAD 0.00001; ExAC 0.00002; gnomAD exomes 0.00002.
gnomAD v4.1: 32 of 1,613,946 alleles (0.002%); highest among the groups gnomAD compares: South Asian, 0.034%; no homozygotes.

Submissions (2):

Labcorp Genetics (formerly Invitae), Labcorp
Classification: Benign for Spastic paraplegia. Last evaluated: 2025-06-05. Review status: criteria provided, single submitter. Criteria: Invitae Variant Classification Sherloc (09022015). Collection method: clinical testing. Allele origin: germline.

Athena Diagnostics
Classification: Uncertain significance. Last evaluated: 2024-12-04. Review status: criteria provided, single submitter. Criteria: Athena Diagnostics Criteria. Collection method: clinical testing. Allele origin: unknown.
Comment: Available data are insufficient to determine the clinical significance of the variant at this time. The frequency of this variant in the general population is uninformative in assessment of its pathogenicity. This variant has been identified in at least one individual with clinical features associated with this gene. Polyphen and MutationTaster predict this amino acid change may be damaging to the protein.

Literature cited by the submitters: PubMed 31429931 (cited by Athena Diagnostics).